The following is an entry in ClinVar:

ClinVar aggregate classification (germline): Uncertain significance. Review status: criteria provided, multiple submitters, no conflicts (2 of 4 stars). 2 submissions from 2 submitters: Uncertain significance (2). Last evaluated 2025-09-09.

Conditions:
Inborn genetic diseases. Identifiers: MedGen C0950123, MeSH D030342.

Allele frequency attached by ClinVar (database versions not stated): gnomAD exomes 0.00003; ExAC 0.00004; gnomAD 0.00005; TOPMed 0.00008.
gnomAD v4.1: 61 of 1,604,604 alleles (0.0038%); highest among the groups gnomAD compares: Admixed American, 0.015%; no homozygotes.

Submissions (2):

Ambry Genetics
Classification: Uncertain significance for Inborn genetic diseases. Last evaluated: 2025-09-09. Review status: criteria provided, single submitter. Criteria: Ambry Variant Classification Scheme 2023. Collection method: clinical testing. Allele origin: germline.

Labcorp Genetics (formerly Invitae), Labcorp
Classification: Uncertain significance. Last evaluated: 2022-08-16. Review status: criteria provided, single submitter. Criteria: Invitae Variant Classification Sherloc (09022015). Collection method: clinical testing. Allele origin: germline.
Comment: This sequence change replaces threonine, which is neutral and polar, with methionine, which is neutral and non-polar, at codon 1168 of the PCDH12 protein (p.Thr1168Met). This variant is present in population databases (rs774266314, gnomAD 0.02%). This variant has not been reported in the literature in individuals affected with PCDH12-related conditions. Advanced modeling of protein sequence and biophysical properties (such as structural, functional, and spatial information, amino acid conservation, physicochemical variation, residue mobility, and thermodynamic stability) performed at Invitae indicates that this missense variant is not expected to disrupt PCDH12 protein function. In summary, the available evidence is currently insufficient to determine the role of this variant in disease. Therefore, it has been classified as a Variant of Uncertain Significance.

NM_016580.4(PCDH12):c.3503C>T (p.Thr1168Met)

Gene: PCDH12 (protocadherin 12; minus strand). Cytogenetic location: 5q31.3.
Variant type: single nucleotide variant.
Coding change: c.3503C>T on transcript NM_016580.4 (MANE Select); coding-DNA position 3503, C replaced by T.
Protein change: p.Thr1168Met; replaces threonine 1168 with methionine.
Molecular consequence: missense variant.
Genome position (GRCh38, 1-based): chr5:141,945,433, G>A on the plus strand (C>T on the coding strand, the complement: PCDH12 is on the minus strand). VCF-style: chr5-141945433-G-A. GRCh37 (hg19) VCF-style: chr5-141324998-G-A.
Other names: c.3503C>T (NM_016580.2); short protein forms T1168M.
Identifiers: ClinVar variation 2199306 (VCV002199306.2), dbSNP rs774266314, ClinGen allele CA3483945.